The following is an entry in ClinVar:

ClinVar aggregate classification (germline): Uncertain significance (1 of 4 stars; one submission).

Conditions:
Emery-Dreifuss muscular dystrophy 4, autosomal dominant (EDMD4). Also called: EMERY-DREIFUSS MUSCULAR DYSTROPHY 4 WITH VARIABLE FEATURES. Identifiers: Orphanet 261, MedGen C2751807, MONDO:0013071, OMIM 612998.
Autosomal recessive ataxia, Beauce type. Also called: SYNE1 Deficiency; Spinocerebellar ataxia, autosomal recessive 8; ATAXIA, RECESSIVE, OF BEAUCE; SYNE1-Related Autosomal Recessive Cerebellar Ataxia. Identifiers: Orphanet 88644, MedGen C1853116, MONDO:0012549, OMIM 610743.

Submission:

Labcorp Genetics (formerly Invitae), Labcorp
Classification: Uncertain significance for Emery-Dreifuss muscular dystrophy 4, autosomal dominant; Autosomal recessive ataxia, Beauce type. Last evaluated: 2022-03-18. Review status: criteria provided, single submitter. Criteria: Invitae Variant Classification Sherloc (09022015). Collection method: clinical testing. Allele origin: germline.
Comment: In summary, the available evidence is currently insufficient to determine the role of this variant in disease. Therefore, it has been classified as a Variant of Uncertain Significance. Algorithms developed to predict the effect of missense changes on protein structure and function are either unavailable or do not agree on the potential impact of this missense change (SIFT: "Deleterious"; PolyPhen-2: "Probably Damaging"; Align-GVGD: "Class C0"). This sequence change replaces glutamine, which is neutral and polar, with histidine, which is basic and polar, at codon 8549 of the SYNE1 protein (p.Gln8549His). This variant is not present in population databases (gnomAD no frequency). This variant has not been reported in the literature in individuals affected with SYNE1-related conditions.

NM_182961.4(SYNE1):c.25791A>T (p.Gln8597His)

Gene: SYNE1 (spectrin repeat containing nuclear envelope protein 1; minus strand). Cytogenetic location: 6q25.2.
Variant type: single nucleotide variant.
Coding change: c.25791A>T on transcript NM_182961.4 (MANE Select); coding-DNA position 25791, A replaced by T.
Protein change: p.Gln8597His; replaces glutamine 8597 with histidine.
Molecular consequence: missense variant.
Genome position (GRCh38, 1-based): chr6:152,133,486, T>A on the plus strand (A>T on the coding strand, the complement: SYNE1 is on the minus strand). VCF-style: chr6-152133486-T-A. GRCh37 (hg19) VCF-style: chr6-152454621-T-A.
Other names: c.2397A>T, p.Gln799His (NM_001347701.2); c.2325A>T, p.Gln775His (NM_001347702.2); c.25647A>T, p.Gln8549His (NM_033071.5); short protein forms Q775H, Q8597H, Q8549H, Q799H.
Identifiers: ClinVar variation 2106729 (VCV002106729.4), dbSNP rs2549469463, ClinGen allele CA366077564.
Genomic context (GRCh38, chr6:152,133,486, plus strand): 5'-GCAAGACATGTCTTGCAAAGAGGCTACTCTGAGTTGGGATTCCAACAGCTCATGCTTTAT[T>A]TGCTATGCATACAAAAACAAATTAATTTTTCTAAGCATTTTTGATAATTGGCAAAAGCTC-3'
Protein context (NP_892006.3, residues 8587-8607): ILQDHHKQLM[Gln8597His]IKHELLESQL